The following is an entry in ClinVar:

ClinVar aggregate classification (germline): Benign (1 of 4 stars; one submission).

Conditions:
BAP1-related tumor predisposition syndrome (TPDS1). Also called: BAP1 tumor predisposition syndrome; Tumor susceptibility linked to germline BAP1 mutations; COMMON Syndrome; TUMOR PREDISPOSITION SYNDROME 1. Identifiers: Orphanet 289539, MedGen C3280492, MONDO:0013692, OMIM 614327.

Submission:

Myriad Genetics, Inc.
Classification: Benign for BAP1-related tumor predisposition syndrome. Last evaluated: 2024-07-12. Review status: criteria provided, single submitter. Criteria: Myriad Autosomal Dominant, Autosomal Recessive and X-Linked Classification Criteria (2023). Collection method: clinical testing. Allele origin: unknown.
Comment: This variant is considered benign. This variant is a silent/synonymous amino acid change and it is not expected to impact splicing.

NM_004656.4(BAP1):c.363T>G (p.Gly121=)

Gene: BAP1 (BRCA1 associated deubiquitinase 1; minus strand). Cytogenetic location: 3p21.1.
Variant type: single nucleotide variant.
Coding change: c.363T>G on transcript NM_004656.4 (MANE Select); coding-DNA position 363, T replaced by G.
Protein change: p.Gly121=; no amino-acid change (glycine 121 retained).
Molecular consequence: synonymous variant.
Genome position (GRCh38, 1-based): chr3:52,407,970, A>C on the plus strand (T>G on the coding strand, the complement: BAP1 is on the minus strand). VCF-style: chr3-52407970-A-C. GRCh37 (hg19) VCF-style: chr3-52441986-A-C.
Other names: c.363T>G, p.Gly121= (NM_001410772.1).
Identifiers: ClinVar variation 3379195 (VCV003379195.1).